The following is an entry in ClinVar:

NM_139076.3(ABRAXAS1):c.178+3G>A

Gene: ABRAXAS1 (abraxas 1, BRCA1 A complex subunit; minus strand). Cytogenetic location: 4q21.23.
Variant type: single nucleotide variant.
Coding change: c.178+3G>A on transcript NM_139076.3 (MANE Select); 3 bases into the intron after coding-DNA position 178, G replaced by A.
Molecular consequence: intron variant.
Genome position (GRCh38, 1-based): chr4:83,482,151, C>T on the plus strand (G>A on the coding strand, the complement: ABRAXAS1 is on the minus strand). VCF-style: chr4-83482151-C-T. GRCh37 (hg19) VCF-style: chr4-84403304-C-T.
Other names: c.-83+3G>A (NM_001345962.2).
Identifiers: ClinVar variation 1373940 (VCV001373940.6), dbSNP rs2110049260, ClinGen allele CA2573138369.

ClinVar aggregate classification (germline): Uncertain significance (1 of 4 stars; one submission).

Allele frequency attached by ClinVar (database versions not stated): gnomAD exomes below 0.00001.
gnomAD v4.1: 2 of 1,582,400 alleles (0.00013%); highest among the groups gnomAD compares: Admixed American, 0.0034%; no homozygotes.

Submission:

Labcorp Genetics (formerly Invitae), Labcorp
Classification: Uncertain significance. Last evaluated: 2023-08-17. Review status: criteria provided, single submitter. Criteria: Invitae Variant Classification Sherloc (09022015). Collection method: clinical testing. Allele origin: germline.
Comment: In summary, the available evidence is currently insufficient to determine the role of this variant in disease. Therefore, it has been classified as a Variant of Uncertain Significance. Variants that disrupt the consensus splice site are a relatively common cause of aberrant splicing (PMID: 17576681, 9536098). Algorithms developed to predict the effect of sequence changes on RNA splicing suggest that this variant is not likely to affect RNA splicing. ClinVar contains an entry for this variant (Variation ID: 1373940). This variant has not been reported in the literature in individuals affected with ABRAXAS1-related conditions. This variant is not present in population databases (gnomAD no frequency). This sequence change falls in intron 2 of the ABRAXAS1 gene. It does not directly change the encoded amino acid sequence of the ABRAXAS1 protein. It affects a nucleotide within the consensus splice site.

Literature cited by the submitters: PubMed 17576681; PubMed 9536098.